The following is an entry in ClinVar:

NM_003482.4(KMT2D):c.4646A>T (p.Glu1549Val)

Gene: KMT2D (lysine methyltransferase 2D; minus strand). Cytogenetic location: 12q13.12.
Variant type: single nucleotide variant.
Coding change: c.4646A>T on transcript NM_003482.4 (MANE Select); coding-DNA position 4646, A replaced by T.
Protein change: p.Glu1549Val; replaces glutamic acid 1549 with valine.
Molecular consequence: missense variant.
Genome position (GRCh38, 1-based): chr12:49,046,112, T>A on the plus strand (A>T on the coding strand, the complement: KMT2D is on the minus strand). VCF-style: chr12-49046112-T-A. GRCh37 (hg19) VCF-style: chr12-49439895-T-A.
Other names: short protein forms E1549V.
Identifiers: ClinVar variation 1197968 (VCV001197968.8), dbSNP rs1943772853, ClinGen allele CA384644392.

ClinVar aggregate classification (germline): Conflicting classifications of pathogenicity. Review status: criteria provided, conflicting classifications (1 of 4 stars). 3 submissions from 3 submitters: Uncertain significance (1); Likely benign (2). Last evaluated 2025-01-27.

Conditions:
Kabuki syndrome. Also called: Kabuki make-up syndrome; NIIKAWA-KUROKI SYNDROME. Identifiers: Orphanet 2322, MedGen C0796004, MONDO:0016512.
KMT2D-related disorder. Also called: KMT2D-Related Disorders.

Allele frequency attached by ClinVar (database versions not stated): gnomAD exomes below 0.00001.
gnomAD v4.1: 1 of 1,611,014 alleles (0.000062%); highest among the groups gnomAD compares: Non-Finnish European, 0.000085%; no homozygotes.

Submissions (3):

PreventionGenetics, part of Exact Sciences
Classification: Uncertain significance for KMT2D-related condition. Last evaluated: 2025-01-27. Review status: criteria provided, single submitter. Criteria: ACMG Guidelines, 2015. Collection method: clinical testing. Allele origin: germline.
Comment: The KMT2D c.4646A>T variant is predicted to result in the amino acid substitution p.Glu1549Val. To our knowledge, this variant has not been reported in the literature or in a large population database (gnomAD), indicating this variant is rare. At this time, the clinical significance of this variant is uncertain due to the absence of conclusive functional and genetic evidence.

Labcorp Genetics (formerly Invitae), Labcorp
Classification: Likely benign for Kabuki syndrome. Last evaluated: 2024-03-21. Review status: criteria provided, single submitter. Criteria: Invitae Variant Classification Sherloc (09022015). Collection method: clinical testing. Allele origin: germline.

GeneDx
Classification: Likely benign. Last evaluated: 2021-02-05. Review status: criteria provided, single submitter. Criteria: GeneDx Variant Classification Process June 2021. Collection method: clinical testing. Allele origin: germline. Affected: yes.
Comment: In silico analysis supports that this missense variant does not alter protein structure/function; Has not been previously published as pathogenic or benign to our knowledge; Not observed in large population cohorts (Lek et al., 2016)